The following is an entry in ClinVar:

ClinVar aggregate classification (germline): Likely benign. Review status: criteria provided, multiple submitters, no conflicts (2 of 4 stars). 5 submissions from 5 submitters: Likely benign (5). Last evaluated 2025-12-04.

Conditions:
Ehlers-Danlos syndrome, classic type, 1 (EDSCL1). Also called: EHLERS-DANLOS SYNDROME, GRAVIS TYPE; EHLERS-DANLOS SYNDROME, SEVERE CLASSIC TYPE; Ehlers-Danlos syndrome, type 1; Ehlers-Danlos Syndrome, Classic Type, COL5A1-Related; EDS I. Identifiers: MedGen C0268335, MONDO:0019567, OMIM 130000.
Familial thoracic aortic aneurysm and aortic dissection (TAAD). Also called: Thoracic aortic aneurysms and dissections. Identifiers: Orphanet 91387, MedGen C4707243, MONDO:0019625.

Allele frequency attached by ClinVar (database versions not stated): gnomAD 0.00001; ExAC 0.00003; gnomAD exomes 0.00003 and 0.00004; TOPMed 0.00003.
gnomAD v4.1: 54 of 1,614,050 alleles (0.0033%); highest among the groups gnomAD compares: East Asian, 0.089%; no homozygotes.

Submissions (5):

Mayo Clinic Laboratories, Mayo Clinic
Classification: Likely benign. Last evaluated: 2025-12-04. Review status: criteria provided, single submitter. Criteria: ACMG Guidelines, 2015. Collection method: clinical testing. Allele origin: germline. Observed: 1 variant allele.
Comment: BP4, BP7

Labcorp Genetics (formerly Invitae), Labcorp
Classification: Likely benign for Ehlers-Danlos syndrome, classic type, 1. Last evaluated: 2025-08-17. Review status: criteria provided, single submitter. Criteria: Invitae Variant Classification Sherloc (09022015). Collection method: clinical testing. Allele origin: germline.

Blueprint Genetics
Classification: Likely benign. Last evaluated: 2024-05-20. Review status: criteria provided, single submitter. Criteria: ACMG Guidelines, 2015. Collection method: clinical testing. Allele origin: germline.

Ambry Genetics
Classification: Likely benign for Familial thoracic aortic aneurysm and aortic dissection. Last evaluated: 2022-06-22. Review status: criteria provided, single submitter. Criteria: Ambry Variant Classification Scheme 2023. Collection method: clinical testing. Allele origin: germline.

GeneDx
Classification: Likely benign. Last evaluated: 2021-06-22. Review status: criteria provided, single submitter. Criteria: GeneDx Variant Classification Process June 2021. Collection method: clinical testing. Allele origin: germline. Affected: yes.

NM_000093.5(COL5A1):c.888C>T (p.Pro296=)

Gene: COL5A1 (collagen type V alpha 1 chain; plus strand). Cytogenetic location: 9q34.3.
Variant type: single nucleotide variant.
Coding change: c.888C>T on transcript NM_000093.5 (MANE Select); coding-DNA position 888, C replaced by T.
Protein change: p.Pro296=; no amino-acid change (proline 296 retained).
Molecular consequence: synonymous variant.
Genome position (GRCh38, 1-based): chr9:134,728,771, C>T. VCF-style: chr9-134728771-C-T. GRCh37 (hg19) VCF-style: chr9-137620617-C-T.
Other names: p.Pro296=; c.888C>T, p.Pro296= (NM_001278074.1).
Identifiers: ClinVar variation 680373 (VCV000680373.11), dbSNP rs747624704, ClinGen allele CA5318563.